The following is an entry in ClinVar:

NM_015015.3(KDM4B):c.1198_1222del (p.Ala399_Leu400insTer)

Gene: KDM4B (lysine demethylase 4B; plus strand). Cytogenetic location: 19p13.3.
Variant type: Deletion.
Coding change: c.1198_1222del on transcript NM_015015.3 (MANE Select); coding-DNA positions 1198 to 1222, 25 bases deleted (CTCCTAGAGGAGGCTGGGGGCAGCG).
Protein change: p.Ala399_Leu400insTer.
Molecular consequence: nonsense. On other transcripts: frameshift variant (1).
Genome position (GRCh38, 1-based): chr19:5,119,735-5,119,759, CTCCTAGAGGAGGCTGGGGGCAGCG deleted; deleting any 25 consecutive bases within chr19:5,119,726-5,119,759 gives the same sequence; the c. name uses the placement nearest the transcript's 3' end. VCF-style (leftmost placement, unchanged base first): chr19-5119725-TGGGGCAGCGCTCCTAGAGGAGGCTG-T. GRCh37 (hg19) VCF-style: chr19-5119736-TGGGGCAGCGCTCCTAGAGGAGGCTG-T.
Other names: c.1300_1324del25, p.Leu434Terfs (NM_001411148.1).
Identifiers: ClinVar variation 1804113 (VCV001804113.2), dbSNP rs2512571434, ClinGen allele CA2580097004.

ClinVar aggregate classification (germline): Likely pathogenic. Review status: criteria provided, multiple submitters, no conflicts (2 of 4 stars). 2 submissions from 2 submitters: Likely pathogenic (2). Last evaluated 2025-05-02.

Conditions:
Intellectual developmental disorder, autosomal dominant 65. Also called: MENTAL RETARDATION, AUTOSOMAL DOMINANT 65. Identifiers: MedGen C5543371, MONDO:0023657, OMIM 619320.

Submissions (2):

Greenwood Genetic Center Diagnostic Laboratories, Greenwood Genetic Center
Classification: Likely pathogenic for Intellectual developmental disorder, autosomal dominant 65. Last evaluated: 2025-05-02. Review status: criteria provided, single submitter. Criteria: ACMG Guidelines, 2015. Collection method: clinical testing. Allele origin: germline. Affected: yes.
Comment: PVS1, PM2

Institute of Human Genetics, University of Leipzig Medical Center
Classification: Likely pathogenic for Intellectual developmental disorder, autosomal dominant 65. Last evaluated: 2022-12-12. Review status: criteria provided, single submitter. Criteria: ACMG Guidelines, 2015. Collection method: clinical testing. Allele origin: unknown. Affected: yes.
Comment: _x000D_ Criteria applied: PVS1, PM2_SUP